The following is an entry in ClinVar:

ClinVar aggregate classification (germline): Pathogenic. Review status: criteria provided, single submitter (1 of 4 stars). 2 submissions from 2 submitters: Pathogenic (1). 1 of the submissions does not count toward it.

Conditions:
Charcot-Marie-Tooth disease type 2I (CMT2I). Also called: CHARCOT-MARIE-TOOTH DISEASE, AXONAL, TYPE 2I. Identifiers: Orphanet 99942, MedGen C3888087, MONDO:0011889, OMIM 607677.
Charcot-Marie-Tooth disease type 2J (CMT2J). Also called: CHARCOT-MARIE-TOOTH DISEASE, TYPE 2, WITH HEARING LOSS AND PUPILLARY ABNORMALITIES; CHARCOT-MARIE-TOOTH NEUROPATHY, TYPE 2J; CHARCOT-MARIE-TOOTH DISEASE, AXONAL, TYPE 2J. Identifiers: Orphanet 99943, MedGen C1843153, MONDO:0011903, OMIM 607736.
Charcot-Marie-Tooth disease type 1B. Also called: PERONEAL MUSCULAR ATROPHY; CHARCOT-MARIE-TOOTH DISEASE, AUTOSOMAL DOMINANT, WITH FOCALLY FOLDED MYELIN SHEATHS, TYPE 1B; CHARCOT-MARIE-TOOTH DISEASE, SLOW NERVE CONDUCTION TYPE, LINKED TO DUFFY; CHARCOT-MARIE-TOOTH NEUROPATHY, TYPE 1B; HEREDITARY MOTOR AND SENSORY NEUROPATHY I; HEREDITARY MOTOR AND SENSORY NEUROPATHY IB. Identifiers: Orphanet 101082, MedGen C0270912, MONDO:0007307, OMIM 118200.
Charcot-Marie-Tooth disease dominant intermediate D. Also called: CHARCOT-MARIE-TOOTH NEUROPATHY, DOMINANT INTERMEDIATE D; Charcot-Marie-Tooth disease dominant intermediate 3; CMT DI3. Identifiers: Orphanet 100046, MedGen C1843075, MONDO:0011909, OMIM 607791.
Charcot-Marie-Tooth disease. Also called: Charcot-Marie-Tooth Hereditary Neuropathy; Charcot-Marie-Tooth Neuropathy. Identifiers: Orphanet 166, MedGen C0007959, MONDO:0015626.

Submissions (2):

Juno Genomics, Hangzhou Juno Genomics, Inc
Classification: Pathogenic for Charcot-Marie-Tooth disease dominant intermediate D; Charcot-Marie-Tooth disease type 1B; Charcot-Marie-Tooth disease type 2I; Charcot-Marie-Tooth disease type 2J. Review status: criteria provided, single submitter. Criteria: ACMG Guidelines, 2015. Collection method: clinical testing. Allele origin: germline. Affected: yes.
Comment: Null variant in a gene where loss of function (LOF) is a known mechanism of disease.;Absent from controls (or at extremely low frequency if recessive) in Genome Aggregation Database, Exome Sequencing Project, 1000 Genomes Project, or Exome Aggregation Consortium.;Co-segregation with disease in multiple affected family members in a gene definitively known to cause the disease.;Patient's phenotype or family history is highly specific for a disease with a single genetic etiology.;De novo (both maternity and paternity confirmed) in a patient with the disease and no family history.

Inherited Neuropathy Consortium
Classification: Uncertain significance for Charcot-Marie-Tooth disease. Review status: no assertion criteria provided. Collection method: literature only. Allele origin: germline. Affected: yes. Not counted in ClinVar's aggregate classification.

Literature cited by the submitters: PubMed 11437164 (cited by Inherited Neuropathy Consortium).

NM_000530.8(MPZ):c.421C>T (p.Gln141Ter)

Gene: MPZ (myelin protein zero; minus strand). Cytogenetic location: 1q23.3.
Variant type: single nucleotide variant.
Coding change: c.421C>T on transcript NM_000530.8 (MANE Select); coding-DNA position 421, C replaced by T.
Protein change: p.Gln141Ter; replaces glutamine 141 with a stop codon.
Molecular consequence: nonsense.
Genome position (GRCh38, 1-based): chr1:161,306,735, G>A on the plus strand (C>T on the coding strand, the complement: MPZ is on the minus strand). VCF-style: chr1-161306735-G-A. GRCh37 (hg19) VCF-style: chr1-161276525-G-A.
Other names: c.421C>T, p.Gln141Ter (NM_001315491.2); c.421C>T (LRG_256t1); short protein forms Q141*.
Identifiers: ClinVar variation 637361 (VCV000637361.3), dbSNP rs1456458087, ClinGen allele CA343348492.